The following is an entry in ClinVar:

ClinVar aggregate classification (germline): Conflicting classifications of pathogenicity. Review status: criteria provided, conflicting classifications (1 of 4 stars). 5 submissions from 5 submitters: Uncertain significance (4); Likely benign (1). Last evaluated 2025-12-15.

Conditions:
Congenital heart defects, multiple types, 2 (CHTD2). Also called: Congenital heart defects, nonsyndromic, 2. Identifiers: Orphanet 664401, MedGen C3554279, MONDO:0014000, OMIM 614980.

Allele frequency attached by ClinVar (database versions not stated): ExAC 0.00013; gnomAD exomes 0.00013 and 0.00036; TOPMed 0.00017; gnomAD 0.00022 and 0.00024; ESP Exome Variant Server 0.00023.
gnomAD v4.1: 588 of 1,614,034 alleles (0.036%); highest among the groups gnomAD compares: Non-Finnish European, 0.045%; no homozygotes.

Submissions (5):

GeneDx
Classification: Uncertain significance. Last evaluated: 2025-12-15. Review status: criteria provided, single submitter. Criteria: GeneDx Variant Classification Process June 2021. Collection method: clinical testing. Allele origin: germline. Affected: yes.
Comment: Has not been previously published as pathogenic or benign to our knowledge; In silico analysis suggests that this missense variant does not alter protein structure/function

Labcorp Genetics (formerly Invitae), Labcorp
Classification: Uncertain significance. Last evaluated: 2025-02-10. Review status: criteria provided, single submitter. Criteria: Invitae Variant Classification Sherloc (09022015). Collection method: clinical testing. Allele origin: germline.
Comment: This sequence change replaces histidine, which is basic and polar, with glutamine, which is neutral and polar, at codon 436 of the TAB2 protein (p.His436Gln). This variant is present in population databases (rs138524637, gnomAD 0.02%). This variant has not been reported in the literature in individuals affected with TAB2-related conditions. ClinVar contains an entry for this variant (Variation ID: 1188486). Invitae Evidence Modeling of protein sequence and biophysical properties (such as structural, functional, and spatial information, amino acid conservation, physicochemical variation, residue mobility, and thermodynamic stability) indicates that this missense variant is not expected to disrupt TAB2 protein function with a negative predictive value of 80%. In summary, the available evidence is currently insufficient to determine the role of this variant in disease. Therefore, it has been classified as a Variant of Uncertain Significance.

Blueprint Genetics
Classification: Likely benign. Last evaluated: 2024-10-22. Review status: criteria provided, single submitter. Criteria: ACMG Guidelines, 2015. Collection method: clinical testing. Allele origin: germline.

Fulgent Genetics
Classification: Uncertain significance for Congenital heart defects, multiple types, 2. Last evaluated: 2024-02-16. Review status: criteria provided, single submitter. Criteria: ACMG Guidelines, 2015. Collection method: clinical testing. Allele origin: germline.

Department of Pathology and Laboratory Medicine, Sinai Health System
Classification: Uncertain significance for Congenital heart defects, multiple types, 2. Last evaluated: 2021-07-30. Review status: criteria provided, single submitter. Criteria: ACMG Guidelines, 2015. Collection method: research. Allele origin: germline.

NM_001292034.3(TAB2):c.1308T>G (p.His436Gln)

Genes: TAB2 (TGF-beta activated kinase 1 (MAP3K7) binding protein 2; plus strand), LOC126859827 (BRD4-independent group 4 enhancer GRCh37_chr6:149699707-149700906; plus strand). Cytogenetic location: 6q25.1.
Variant type: single nucleotide variant.
Coding change: c.1308T>G on transcript NM_001292034.3 (MANE Select); coding-DNA position 1308, T replaced by G.
Protein change: p.His436Gln; replaces histidine 436 with glutamine.
Molecular consequence: missense variant.
Genome position (GRCh38, 1-based): chr6:149,379,223, T>G. VCF-style: chr6-149379223-T-G. GRCh37 (hg19) VCF-style: chr6-149700359-T-G.
Other names: c.1212T>G, p.His404Gln (NM_001292035.3); c.1308T>G, p.His436Gln (NM_001369506.1, NM_015093.6); c.1308T>G (NM_015093.5); short protein forms H404Q, H436Q.
Identifiers: ClinVar variation 1188486 (VCV001188486.16), dbSNP rs138524637, ClinGen allele CA4041521.